The following is an entry in ClinVar:

ClinVar aggregate classification (germline): Pathogenic (1 of 4 stars; one submission).

Submission:

Labcorp Genetics (formerly Invitae), Labcorp
Classification: Pathogenic. Last evaluated: 2023-05-08. Review status: criteria provided, single submitter. Criteria: Invitae Variant Classification Sherloc (09022015). Collection method: clinical testing. Allele origin: germline.
Comment: For these reasons, this variant has been classified as Pathogenic. ClinVar contains an entry for this variant (Variation ID: 2023881). This variant has not been reported in the literature in individuals affected with AHDC1-related conditions. This variant is not present in population databases (gnomAD no frequency). This sequence change creates a premature translational stop signal (p.Pro634Hisfs*99) in the AHDC1 gene. It is expected to result in an absent or disrupted protein product. Loss-of-function variants in AHDC1 are known to be pathogenic (PMID: 24791903, 27148574).

Literature cited by the submitters: PubMed 24791903; PubMed 27148574.

NM_001371928.1(AHDC1):c.1899_1900dup (p.Pro634fs)

Gene: AHDC1 (AT-hook DNA binding motif containing 1; minus strand). Cytogenetic location: 1p36.11.
Variant type: Duplication.
Coding change: c.1899_1900dup on transcript NM_001371928.1 (MANE Select); coding-DNA positions 1899 to 1900, 2 bases duplicated (AC; older notation c.1899_1900dupAC).
Protein change: p.Pro634fs; shifts the reading frame from proline 634.
Molecular consequence: frameshift variant.
Genome position (GRCh38, 1-based): chr1:27,550,216-27,550,217, GT duplicated on the plus strand (AC on the coding strand, the reverse complement: AHDC1 is on the minus strand); duplicating any 2 consecutive bases within chr1:27,550,216-27,550,218 gives the same sequence; the c. name uses the placement nearest the transcript's 3' end. VCF-style (leftmost placement, unchanged base first): chr1-27550215-G-GGT. GRCh37 (hg19) VCF-style: chr1-27876726-G-GGT.
Other names: c.1899_1900dup, p.Pro634fs (NM_001029882.3); short protein forms P634fs.
Identifiers: ClinVar variation 2023881 (VCV002023881.4), dbSNP rs2521980025, ClinGen allele CA2580062673.